The following is an entry in ClinVar:

ClinVar aggregate classification (germline): Uncertain significance. Review status: criteria provided, multiple submitters, no conflicts (2 of 4 stars). 2 submissions from 2 submitters: Uncertain significance (2). Last evaluated 2025-05-25.

Conditions:
Inborn genetic diseases. Identifiers: MedGen C0950123, MeSH D030342.
Kleefstra syndrome 1 (KLEFS1). Identifiers: Orphanet 261494, MedGen C0795833, MONDO:0027407, OMIM 610253.

Allele frequency attached by ClinVar (database versions not stated): gnomAD exomes below 0.00001; TOPMed 0.00001.
gnomAD v4.1: 3 of 1,613,904 alleles (0.00019%); highest among the groups gnomAD compares: Non-Finnish European, 0.00025%; no homozygotes.

Submissions (2):

Ambry Genetics
Classification: Uncertain significance for Inborn genetic diseases. Last evaluated: 2025-05-25. Review status: criteria provided, single submitter. Criteria: Ambry Variant Classification Scheme 2023. Collection method: clinical testing. Allele origin: germline.

Labcorp Genetics (formerly Invitae), Labcorp
Classification: Uncertain significance for Kleefstra syndrome 1. Last evaluated: 2022-08-09. Review status: criteria provided, single submitter. Criteria: Invitae Variant Classification Sherloc (09022015). Collection method: clinical testing. Allele origin: germline.
Comment: In summary, the available evidence is currently insufficient to determine the role of this variant in disease. Therefore, it has been classified as a Variant of Uncertain Significance. Algorithms developed to predict the effect of missense changes on protein structure and function (SIFT, PolyPhen-2, Align-GVGD) all suggest that this variant is likely to be tolerated. ClinVar contains an entry for this variant (Variation ID: 1361493). This variant has not been reported in the literature in individuals affected with EHMT1-related conditions. This variant is not present in population databases (gnomAD no frequency). This sequence change replaces alanine, which is neutral and non-polar, with valine, which is neutral and non-polar, at codon 723 of the EHMT1 protein (p.Ala723Val).

NM_024757.5(EHMT1):c.2168C>T (p.Ala723Val)

Gene: EHMT1 (euchromatic histone lysine methyltransferase 1; plus strand). Cytogenetic location: 9q34.3.
Variant type: single nucleotide variant.
Coding change: c.2168C>T on transcript NM_024757.5 (MANE Select); coding-DNA position 2168, C replaced by T.
Protein change: p.Ala723Val; replaces alanine 723 with valine.
Molecular consequence: missense variant.
Genome position (GRCh38, 1-based): chr9:137,778,031, C>T. VCF-style: chr9-137778031-C-T. GRCh37 (hg19) VCF-style: chr9-140672483-C-T.
Other names: c.2168C>T (NM_024757.4); c.2168C>T, p.Ala723Val (NM_001145527.2); c.2075C>T, p.Ala692Val (NM_001354259.2); c.2147C>T, p.Ala716Val (NM_001354263.2); short protein forms A716V, A692V, A723V.
Identifiers: ClinVar variation 1361493 (VCV001361493.7), dbSNP rs1158157805, ClinGen allele CA375779254.
Genomic context (GRCh38, chr9:137,778,031, plus strand): 5'-GGCTTGGGAGGCCAACTCCCGGCCTTTCCCAGGGACCAGGGAAGGAAACCTTGGAGAGCG[C>T]TCTCATCGCCCTCGACTCGGAAAAGTAAGACCTGACATGTGATTTCAGAGATGTCTCAGA-3'
Protein context (NP_079033.4, residues 713-733): QGPGKETLES[Ala723Val]LIALDSEKPK